The following is an entry in ClinVar:

ClinVar aggregate classification (germline): Pathogenic (1 of 4 stars; one submission).

Allele frequency attached by ClinVar (database versions not stated): gnomAD 0.00001.

Submission:

Labcorp Genetics (formerly Invitae), Labcorp
Classification: Pathogenic. Last evaluated: 2022-08-16. Review status: criteria provided, single submitter. Criteria: Invitae Variant Classification Sherloc (09022015). Collection method: clinical testing. Allele origin: germline.
Comment: This sequence change creates a premature translational stop signal (p.Lys1368Glyfs*21) in the MPDZ gene. It is expected to result in an absent or disrupted protein product. Loss-of-function variants in MPDZ are known to be pathogenic (PMID: 23240096, 28556411). This variant is not present in population databases (gnomAD no frequency). This variant has not been reported in the literature in individuals affected with MPDZ-related conditions. For these reasons, this variant has been classified as Pathogenic.

Literature cited by the submitters: PubMed 23240096; PubMed 28556411.

NM_001378778.1(MPDZ):c.4079_4100dup (p.Lys1368fs)

Gene: MPDZ (multiple PDZ domain crumbs cell polarity complex component; minus strand). Cytogenetic location: 9p23.
Variant type: Duplication.
Coding change: c.4079_4100dup on transcript NM_001378778.1 (MANE Select); coding-DNA positions 4079 to 4100, 22 bases duplicated (TGGGCCTAAGTCTTGCTGGGAA).
Protein change: p.Lys1368fs; shifts the reading frame from lysine 1368.
Molecular consequence: frameshift variant.
Genome position (GRCh38, 1-based): chr9:13,138,057-13,138,078, TTCCCAGCAAGACTTAGGCCCA duplicated on the plus strand (TGGGCCTAAGTCTTGCTGGGAA on the coding strand, the reverse complement: MPDZ is on the minus strand). VCF-style (leftmost placement, unchanged base first): chr9-13138056-G-GTTCCCAGCAAGACTTAGGCCCA. GRCh37 (hg19) VCF-style: chr9-13138055-G-GTTCCCAGCAAGACTTAGGCCCA.
Other names: c.3980_4001dup, p.Lys1335fs (NM_001261406.2, NM_001261407.2, NM_001375416.1 and 3 more transcripts); c.4079_4100dup, p.Lys1368fs (NM_001330637.2, NM_001375413.1, NM_003829.5); c.3869_3890dup, p.Lys1298fs (NM_001375420.1, NM_001375421.1, NM_001375422.1 and 4 more transcripts); c.3671_3692dup, p.Lys1232fs (NM_001375427.1); short protein forms K1232fs, K1298fs, K1335fs, K1368fs.
Identifiers: ClinVar variation 2421493 (VCV002421493.6), dbSNP rs1947102571, ClinGen allele CA463874990.
Genomic context (GRCh38, chr9:13,138,056, plus strand): 5'-TCCTGCAGCTCCATTTGGATCAATCCCCACTATGAAGACACTCATCCTGGATCGGTCTTT[G>GTTCCCAGCAAGACTTAGGCCCA]TTCCCAGCAAGACTTAGGCCCAAACCACTATGACCTTTCTCCAGTTCAATCATATGCAGC-3'